The following is an entry in ClinVar:

NM_001167.4(XIAP):c.1135G>A (p.Ala379Thr)

Gene: XIAP (X-linked inhibitor of apoptosis; plus strand). Cytogenetic location: Xq25.
Variant type: single nucleotide variant.
Coding change: c.1135G>A on transcript NM_001167.4 (MANE Select); coding-DNA position 1135, G replaced by A.
Protein change: p.Ala379Thr; replaces alanine 379 with threonine.
Molecular consequence: missense variant. On other transcripts: non-coding transcript variant (2).
Genome position (GRCh38, 1-based): chrX:123,900,528, G>A. VCF-style: chrX-123900528-G-A. GRCh37 (hg19) VCF-style: chrX-123034378-G-A.
Other names: c.1135G>A, p.Ala379Thr (NM_001204401.2, NM_001378590.1, NM_001378591.1 and 1 more transcripts); short protein forms A379T.
Identifiers: ClinVar variation 3607645 (VCV003607645.2).

ClinVar aggregate classification (germline): Uncertain significance (1 of 4 stars; one submission).

Conditions:
X-linked lymphoproliferative disease due to XIAP deficiency. Also called: XIAP DEFICIENCY; XIAP-Related Lymphoproliferative Disease, X-Linked. Identifiers: Orphanet 2442, Orphanet 538934, MedGen C1845076, MONDO:0010385, OMIM 300635.

gnomAD v4.1: 6 of 1,209,399 alleles (0.0005%); highest among the groups gnomAD compares: African/African-American, 0.0088%; no homozygotes.

Submission:

Labcorp Genetics (formerly Invitae), Labcorp
Classification: Uncertain significance for X-linked lymphoproliferative disease due to XIAP deficiency. Last evaluated: 2024-07-19. Review status: criteria provided, single submitter. Criteria: Invitae Variant Classification Sherloc (09022015). Collection method: clinical testing. Allele origin: germline.
Comment: This sequence change replaces alanine, which is neutral and non-polar, with threonine, which is neutral and polar, at codon 379 of the XIAP protein (p.Ala379Thr). This variant is present in population databases (no rsID available, gnomAD 0.02%), including at least one homozygous and/or hemizygous individual. This variant has not been reported in the literature in individuals affected with XIAP-related conditions. Advanced modeling of protein sequence and biophysical properties (such as structural, functional, and spatial information, amino acid conservation, physicochemical variation, residue mobility, and thermodynamic stability) has been performed at Invitae for this missense variant, however the output from this modeling did not meet the statistical confidence thresholds required to predict the impact of this variant on XIAP protein function. In summary, the available evidence is currently insufficient to determine the role of this variant in disease. Therefore, it has been classified as a Variant of Uncertain Significance.